The following is an entry in ClinVar:

NM_000535.7(PMS2):c.1144+20C>T

Gene: PMS2 (PMS1 homolog 2, mismatch repair system component; minus strand). Cytogenetic location: 7p22.1.
Variant type: single nucleotide variant.
Coding change: c.1144+20C>T on transcript NM_000535.7 (MANE Select); 20 bases into the intron after coding-DNA position 1144, C replaced by T.
Molecular consequence: intron variant.
Genome position (GRCh38, 1-based): chr7:5,989,780, G>A on the plus strand (C>T on the coding strand, the complement: PMS2 is on the minus strand). VCF-style: chr7-5989780-G-A. GRCh37 (hg19) VCF-style: chr7-6029411-G-A.
Other names: c.826+20C>T (NM_001322008.2, NM_001322007.2); c.584-2160C>T (NM_001322010.2); c.739+20C>T (NM_001322004.2, NM_001322003.2, NM_001322009.2 and 1 more transcripts); c.571+20C>T (NM_001322013.2); c.211+20C>T (NM_001322012.2, NM_001322011.2); c.835+20C>T (NM_001322015.2); c.989-2160C>T (NM_001322006.2); c.1144+20C>T (NM_001322014.2).
Identifiers: ClinVar variation 383549 (VCV000383549.8), dbSNP rs750883624, ClinGen allele CA16605839.

ClinVar aggregate classification (germline): Likely benign. Review status: criteria provided, multiple submitters, no conflicts (2 of 4 stars). 2 submissions from 2 submitters: Likely benign (2). Last evaluated 2025-11-18.

Conditions:
Hereditary nonpolyposis colorectal neoplasms. Identifiers: MedGen C0009405, MeSH D003123.

Allele frequency attached by ClinVar (database versions not stated): gnomAD 0.00001; TOPMed 0.00001.
gnomAD v4.1: 3 of 1,598,780 alleles (0.00019%); highest among the groups gnomAD compares: Non-Finnish European, 0.00017%; no homozygotes.

Submissions (2):

Labcorp Genetics (formerly Invitae), Labcorp
Classification: Likely benign for Hereditary nonpolyposis colorectal neoplasms. Last evaluated: 2025-11-18. Review status: criteria provided, single submitter. Criteria: Invitae Variant Classification Sherloc (09022015). Collection method: clinical testing. Allele origin: germline.

GeneDx
Classification: Likely benign. Last evaluated: 2016-08-25. Review status: criteria provided, single submitter. Criteria: GeneDx Variant Classification (06012015). Collection method: clinical testing. Allele origin: germline. Affected: yes.
Comment: This variant is considered likely benign or benign based on one or more of the following criteria: it is a conservative change, it occurs at a poorly conserved position in the protein, it is predicted to be benign by multiple in silico algorithms, and/or has population frequency not consistent with disease.